The following is an entry in ClinVar:

ClinVar aggregate classification (germline): Likely benign. Review status: criteria provided, multiple submitters, no conflicts (2 of 4 stars). 2 submissions from 2 submitters: Likely benign (2). Last evaluated 2026-06-01.

gnomAD v4.1: 26 of 1,608,020 alleles (0.0016%); highest among the groups gnomAD compares: Non-Finnish European, 0.002%; no homozygotes.

Submissions (2):

CeGaT Center for Human Genetics Tuebingen
Classification: Likely benign. Last evaluated: 2026-06-01. Review status: criteria provided, single submitter. Criteria: CeGaT Center For Human Genetics Tuebingen Variant Classification Criteria Version 2. Collection method: clinical testing. Allele origin: germline. Affected: yes. Observed: 1 variant allele.
Comment: SETD5: BP4, BP7

Labcorp Genetics (formerly Invitae), Labcorp
Classification: Likely benign. Last evaluated: 2025-02-25. Review status: criteria provided, single submitter. Criteria: Invitae Variant Classification Sherloc (09022015). Collection method: clinical testing. Allele origin: germline.

NM_001080517.3(SETD5):c.2388A>G (p.Thr796=)

Gene: SETD5 (SET domain containing 5; plus strand). Cytogenetic location: 3p25.3.
Variant type: single nucleotide variant.
Coding change: c.2388A>G on transcript NM_001080517.3 (MANE Select); coding-DNA position 2388, A replaced by G.
Protein change: p.Thr796=; no amino-acid change (threonine 796 retained).
Molecular consequence: synonymous variant.
Genome position (GRCh38, 1-based): chr3:9,453,780, A>G. VCF-style: chr3-9453780-A-G. GRCh37 (hg19) VCF-style: chr3-9495464-A-G.
Other names: c.2094A>G, p.Thr698= (NM_001292043.2, NM_001349451.2).
Identifiers: ClinVar variation 3705422 (VCV003705422.4).